The following is an entry in ClinVar:

ClinVar aggregate classification (germline): Uncertain significance (1 of 4 stars; one submission).

gnomAD v4.1: 1 of 1,613,308 alleles (0.000062%); highest among the groups gnomAD compares: Admixed American, 0.0017%; no homozygotes.

Submission:

Labcorp Genetics (formerly Invitae), Labcorp
Classification: Uncertain significance. Last evaluated: 2025-06-12. Review status: criteria provided, single submitter. Criteria: Invitae Variant Classification Sherloc (09022015). Collection method: clinical testing. Allele origin: germline.
Comment: This sequence change replaces methionine, which is neutral and non-polar, with leucine, which is neutral and non-polar, at codon 3250 of the DCHS1 protein (p.Met3250Leu). This variant is not present in population databases (gnomAD no frequency). This variant has not been reported in the literature in individuals affected with DCHS1-related conditions. ClinVar contains an entry for this variant (Variation ID: 1370748). Invitae Evidence Modeling of protein sequence and biophysical properties (such as structural, functional, and spatial information, amino acid conservation, physicochemical variation, residue mobility, and thermodynamic stability) indicates that this missense variant is not expected to disrupt DCHS1 protein function with a negative predictive value of 95%. In summary, the available evidence is currently insufficient to determine the role of this variant in disease. Therefore, it has been classified as a Variant of Uncertain Significance.

NM_003737.4(DCHS1):c.9748A>C (p.Met3250Leu)

Gene: DCHS1 (dachsous cadherin-related 1; minus strand). Cytogenetic location: 11p15.4.
Variant type: single nucleotide variant.
Coding change: c.9748A>C on transcript NM_003737.4 (MANE Select); coding-DNA position 9748, A replaced by C.
Protein change: p.Met3250Leu; replaces methionine 3250 with leucine.
Molecular consequence: missense variant.
Genome position (GRCh38, 1-based): chr11:6,621,928, T>G on the plus strand (A>C on the coding strand, the complement: DCHS1 is on the minus strand). VCF-style: chr11-6621928-T-G. GRCh37 (hg19) VCF-style: chr11-6643159-T-G.
Other names: short protein forms M3250L.
Identifiers: ClinVar variation 1370748 (VCV001370748.6), dbSNP rs368150563, ClinGen allele CA217327764.
Genomic context (GRCh38, chr11:6,621,928, plus strand): 5'-GTGAGACAACGGGTGAGCGAGCAGCCAGAGGAGACAGAGAGGGTGAGAAGCTGGGGGACA[T>G]GGCAGCTGAGGACAGGGAGCCTTCATGGCTGATGGGGGAGCGGTGAGAAGCTGGTGGGAA-3'
Protein context (NP_003728.1, residues 3240-3260): SHEGSLSSAA[Met3250Leu]SPSFSPSLSP